The following is an entry in ClinVar:

NM_004360.5(CDH1):c.2176C>T (p.Leu726=)

Gene: CDH1 (cadherin 1; plus strand). Cytogenetic location: 16q22.1.
Variant type: single nucleotide variant.
Coding change: c.2176C>T on transcript NM_004360.5 (MANE Select); coding-DNA position 2176, C replaced by T.
Protein change: p.Leu726=; no amino-acid change (leucine 726 retained).
Molecular consequence: synonymous variant.
Genome position (GRCh38, 1-based): chr16:68,828,185, C>T. VCF-style: chr16-68828185-C-T. GRCh37 (hg19) VCF-style: chr16-68862088-C-T.
Other names: c.1993C>T, p.Leu665= (NM_001317184.2); c.628C>T, p.Leu210= (NM_001317185.2); c.211C>T, p.Leu71= (NM_001317186.2).
Identifiers: ClinVar variation 1787186 (VCV001787186.2), dbSNP rs2152141386, ClinGen allele CA496157121.
Genomic context (GRCh38, chr16:68,828,185, plus strand): 5'-TCTTTATCTTTGGCTCTCAACACTTGCTCTGTCTCCCCCACCATCCCAGTTCTGATTCTG[C>T]TGCTCTTGCTGTTTCTTCGGAGGAGAGCGGTGGTCAAAGAGCCCTTACTGCCCCCAGAGG-3'
Protein context (NP_004351.1, residues 716-736): GILALLILIL[Leu726=]LLLFLRRRAV

ClinVar aggregate classification (germline): Uncertain significance (1 of 4 stars; one submission).

Conditions:
Hereditary cancer-predisposing syndrome. Also called: Neoplastic Syndromes, Hereditary; Tumor predisposition; Hereditary Cancer Syndrome; Hereditary neoplastic syndrome. Identifiers: Orphanet 140162, MedGen C0027672, MeSH D009386, MONDO:0015356.

Submission:

Ambry Genetics
Classification: Uncertain significance for Hereditary cancer-predisposing syndrome. Last evaluated: 2022-05-31. Review status: criteria provided, single submitter. Criteria: Ambry Variant Classification Scheme 2023. Collection method: clinical testing. Allele origin: germline.
Comment: The c.2176C>T variant (also known as p.L726L), located in coding exon 14 of the CDH1 gene, results from a C to T substitution at nucleotide position 2176. This nucleotide substitution does not change the at codon 726. This nucleotide position is well conserved in available vertebrate species. In silico splice site analysis predicts that this alteration may result in the creation or strengthening of a novel splice acceptor site. RNA studies have demonstrated that this alteration results in an incomplete splice defect; the clinical impact of this abnormal splicing is unknown at this time (Ambry internal data). Since supporting evidence is limited at this time, the clinical significance of this alteration remains unclear.